The following is an entry in ClinVar:

NM_020937.4(FANCM):c.4702T>G (p.Ser1568Ala)

Gene: FANCM (FA complementation group M; plus strand). Cytogenetic location: 14q21.2.
Variant type: single nucleotide variant.
Coding change: c.4702T>G on transcript NM_020937.4 (MANE Select); coding-DNA position 4702, T replaced by G.
Protein change: p.Ser1568Ala; replaces serine 1568 with alanine.
Molecular consequence: missense variant.
Genome position (GRCh38, 1-based): chr14:45,187,810, T>G. VCF-style: chr14-45187810-T-G. GRCh37 (hg19) VCF-style: chr14-45657013-T-G.
Other names: c.4624T>G, p.Ser1542Ala (NM_001308133.2); short protein forms S1542A, S1568A.
Identifiers: ClinVar variation 3848543 (VCV003848543.1).

ClinVar aggregate classification (germline): Uncertain significance (1 of 4 stars; one submission).

Conditions:
Inborn genetic diseases. Identifiers: MedGen C0950123, MeSH D030342.

gnomAD v4.1: 3 of 1,578,640 alleles (0.00019%); highest among the groups gnomAD compares: Non-Finnish European, 0.00026%; no homozygotes.

Submission:

Ambry Genetics
Classification: Uncertain significance for Inborn genetic diseases. Last evaluated: 2024-12-23. Review status: criteria provided, single submitter. Criteria: Ambry Variant Classification Scheme 2023. Collection method: clinical testing. Allele origin: germline.
Comment: The p.S1568A variant (also known as c.4702T>G), located in coding exon 19 of the FANCM gene, results from a T to G substitution at nucleotide position 4702. The serine at codon 1568 is replaced by alanine, an amino acid with similar properties. This amino acid position is conserved. In addition, this alteration is predicted to be tolerated by in silico analysis. Based on the available evidence, the clinical significance of this variant remains unclear.